The following is an entry in ClinVar:

ClinVar aggregate classification (germline): Likely benign. Review status: criteria provided, multiple submitters, no conflicts (2 of 4 stars). 2 submissions from 2 submitters: Likely benign (2). Last evaluated 2018-01-12.

Conditions:
Charcot-Marie-Tooth disease type 4F. Also called: Charcot-Marie-Tooth disease, demyelinating, type 4F. Identifiers: Orphanet 99952, MedGen C3540453, MONDO:0013959, OMIM 614895.

Allele frequency attached by ClinVar (database versions not stated): gnomAD exomes 0.00046; gnomAD 0.00295 and 0.00317; TOPMed 0.00334; 1000 Genomes Project 30x 0.00344; 1000 Genomes Project 0.00359.
gnomAD v4.1: 513 of 295,856 alleles (0.17%); highest among the groups gnomAD compares: African/African-American, 1%; 4 homozygotes.

Submissions (2):

Illumina Laboratory Services, Illumina
Classification: Likely benign for Charcot-Marie-Tooth disease type 4F. Last evaluated: 2018-01-12. Review status: criteria provided, single submitter. Criteria: ICSL Variant Classification Criteria 13 December 2019. Collection method: clinical testing. Allele origin: germline.
Comment: This variant was observed in the ICSL laboratory as part of a predisposition screen in an ostensibly healthy population. It had not been previously curated by ICSL or reported in the Human Gene Mutation Database (HGMD: prior to June 1st, 2018), and was therefore a candidate for classification through an automated scoring system. Utilizing variant allele frequency, disease prevalence and penetrance estimates, and inheritance mode, an automated score was calculated to assess if this variant is too frequent to cause the disease. Based on the score and internal cut-off values, a variant classified as likely benign is not then subjected to further curation. The score for this variant resulted in a classification of likely benign for this disease.

GeneDx
Classification: Likely benign. Last evaluated: 2017-07-18. Review status: criteria provided, single submitter. Criteria: GeneDx Variant Classification (06012015). Collection method: clinical testing. Allele origin: germline. Affected: yes.
Comment: This variant is considered likely benign or benign based on one or more of the following criteria: it is a conservative change, it occurs at a poorly conserved position in the protein, it is predicted to be benign by multiple in silico algorithms, and/or has population frequency not consistent with disease.

NM_181882.3(PRX):c.-236G>A

Gene: PRX (periaxin; minus strand). Cytogenetic location: 19q13.2.
Variant type: single nucleotide variant.
Coding change: c.-236G>A on transcript NM_181882.3 (MANE Select); 236 bases upstream of the start codon, G replaced by A.
Molecular consequence: 5 prime UTR variant.
Genome position (GRCh38, 1-based): chr19:40,408,377, C>T on the plus strand (G>A on the coding strand, the complement: PRX is on the minus strand). VCF-style: chr19-40408377-C-T. GRCh37 (hg19) VCF-style: chr19-40914284-C-T.
Other names: c.-236G>A (NM_020956.2).
Identifiers: ClinVar variation 329297 (VCV000329297.5), dbSNP rs552436076, ClinGen allele CA10652472.
Genomic context (GRCh38, chr19:40,408,377, plus strand): 5'-ATATGGCACCAGCCTGCGCTCACCTGAGGGTCACCTCCAGCTCCTTGGGCCTCCTGGGTC[C>T]GGCGCTCTAAGAAGAATAATGTGAGCAGTGTTATTGGCTAACAGCCACCGATGACTTCCT-3'